The following is an entry in ClinVar:

ClinVar aggregate classification (germline): Uncertain significance (1 of 4 stars; one submission).

gnomAD v4.1: 1 of 1,613,714 alleles (0.000062%); highest among the groups gnomAD compares: African/African-American, 0.0013%; no homozygotes.

Submission:

GeneDx
Classification: Uncertain significance. Last evaluated: 2026-04-09. Review status: criteria provided, single submitter. Criteria: GeneDx Variant Classification Process June 2021. Collection method: clinical testing. Allele origin: germline.
Comment: Not observed at significant frequency in large population cohorts (gnomAD); In silico analysis suggests that this missense variant does not alter protein structure/function; Has not been previously published as pathogenic or benign to our knowledge

NM_020706.2(SCAF4):c.2525T>C (p.Leu842Pro)

Gene: SCAF4 (SR-related CTD associated factor 4; minus strand). Cytogenetic location: 21q22.11.
Variant type: single nucleotide variant.
Coding change: c.2525T>C on transcript NM_020706.2 (MANE Select); coding-DNA position 2525, T replaced by C.
Protein change: p.Leu842Pro; replaces leucine 842 with proline.
Molecular consequence: missense variant.
Genome position (GRCh38, 1-based): chr21:31,672,318, A>G on the plus strand (T>C on the coding strand, the complement: SCAF4 is on the minus strand). VCF-style: chr21-31672318-A-G. GRCh37 (hg19) VCF-style: chr21-33044631-A-G.
Other names: c.2480T>C, p.Leu827Pro (NM_001145444.1); c.2459T>C, p.Leu820Pro (NM_001145445.1); short protein forms L820P, L827P, L842P.
Identifiers: ClinVar variation 5018305 (VCV005018305.1).